The following is an entry in ClinVar:

ClinVar aggregate classification (germline): Uncertain significance (1 of 4 stars; one submission).

Conditions:
Intellectual developmental disorder with behavioral abnormalities and craniofacial dysmorphism with or without seizures. Identifiers: MedGen C5231476, MONDO:0032883, OMIM 618725.

Submission:

Dasa
Classification: Uncertain significance for intellectual developmental disorder with behavioral abnormalities and craniofacial dysmorphism with or without seizures. Last evaluated: 2025-04-28. Review status: criteria provided, single submitter. Criteria: DASA Assertion Criteria. Collection method: clinical testing. Allele origin: germline.
Comment: NM_001352027.3(PHF21A):c.620A>G (p.Gln207Arg) is a missense variant that results in the substitution of glutamine with arginine. This variant is absent from population databases. Computational prediction algorithms are consistent with a benign effect. The currently available literature and clinical evidence are not sufficient to establish a definitive association between this variant and the reported condition. Therefore, this variant is classified as a variant of uncertain significance.

NM_001352027.3(PHF21A):c.620A>G (p.Gln207Arg)

Gene: PHF21A (PHD finger protein 21A; minus strand). Cytogenetic location: 11p11.2.
Variant type: single nucleotide variant.
Coding change: c.620A>G on transcript NM_001352027.3 (MANE Select); coding-DNA position 620, A replaced by G.
Protein change: p.Gln207Arg; replaces glutamine 207 with arginine.
Molecular consequence: missense variant. On other transcripts: non-coding transcript variant (2).
Genome position (GRCh38, 1-based): chr11:45,969,897, T>C on the plus strand (A>G on the coding strand, the complement: PHF21A is on the minus strand). VCF-style: chr11-45969897-T-C. GRCh37 (hg19) VCF-style: chr11-45991448-T-C.
Other names: c.617A>G, p.Gln206Arg (NM_001441171.1, NM_001101802.3, NM_001352030.3 and 2 more transcripts); c.368A>G, p.Gln123Arg (NM_001441172.1); c.620A>G, p.Gln207Arg (NM_016621.5, NM_001352025.3, NM_001352026.3 and 3 more transcripts); c.641A>G, p.Gln214Arg (NM_001441167.1, NM_001441168.1); c.638A>G, p.Gln213Arg (NM_001441169.1); short protein forms Q123R, Q206R, Q207R, Q213R, Q214R.
Identifiers: ClinVar variation 4882705 (VCV004882705.2).